The following is an entry in ClinVar:

ClinVar aggregate classification (germline): Conflicting classifications of pathogenicity. Review status: criteria provided, conflicting classifications (1 of 4 stars). 2 submissions from 2 submitters: Likely pathogenic (1); Uncertain significance (1). Last evaluated 2022-07-06.

Allele frequency attached by ClinVar (database versions not stated): gnomAD exomes below 0.00001; gnomAD 0.00001.
gnomAD v4.1: 7 of 1,613,292 alleles (0.00043%); highest among the groups gnomAD compares: Non-Finnish European, 0.00042%; no homozygotes.

Submissions (2):

Labcorp Genetics (formerly Invitae), Labcorp
Classification: Uncertain significance. Last evaluated: 2022-07-06. Review status: criteria provided, single submitter. Criteria: Invitae Variant Classification Sherloc (09022015). Collection method: clinical testing. Allele origin: germline.
Comment: In summary, the available evidence is currently insufficient to determine the role of this variant in disease. Therefore, it has been classified as a Variant of Uncertain Significance. ClinVar contains an entry for this variant (Variation ID: 421548). This variant has not been reported in the literature in individuals affected with FGF23-related conditions. This variant is not present in population databases (gnomAD no frequency). This sequence change creates a premature translational stop signal (p.Trp36*) in the FGF23 gene. It is expected to result in an absent or disrupted protein product. However, the current clinical and genetic evidence is not sufficient to establish whether loss-of-function variants in FGF23 cause disease.

GeneDx
Classification: Likely pathogenic. Last evaluated: 2016-06-23. Review status: criteria provided, single submitter. Criteria: GeneDx Variant Classification (06012015). Collection method: clinical testing. Allele origin: germline. Affected: yes.
Comment: The W36X variant has not been published as a pathogenic variant, nor has it been reported as a benign variant to our knowledge. This nonsense variant is predicted to cause loss of normal protein function either through protein truncation or nonsense-mediated mRNA decay. The variant was not observed in approximately 6,500 individuals of European and African American ancestry in the NHLBI Exome Sequencing Project, indicating it is not a common benign variant in these populations. Therefore, this variant is likely pathogenic.

NM_020638.3(FGF23):c.107G>A (p.Trp36Ter)

Gene: FGF23 (fibroblast growth factor 23; minus strand). Cytogenetic location: 12p13.32.
Variant type: single nucleotide variant.
Coding change: c.107G>A on transcript NM_020638.3 (MANE Select); coding-DNA position 107, G replaced by A.
Protein change: p.Trp36Ter; replaces tryptophan 36 with a stop codon.
Molecular consequence: nonsense.
Genome position (GRCh38, 1-based): chr12:4,379,476, C>T on the plus strand (G>A on the coding strand, the complement: FGF23 is on the minus strand). VCF-style: chr12-4379476-C-T. GRCh37 (hg19) VCF-style: chr12-4488642-C-T.
Other names: short protein forms W36*.
Identifiers: ClinVar variation 421548 (VCV000421548.8), dbSNP rs1064795205, ClinGen allele CA16619523.